The following is an entry in ClinVar:

NM_000094.4(COL7A1):c.2767G>A (p.Gly923Arg)

Gene: COL7A1 (collagen type VII alpha 1 chain; minus strand). Cytogenetic location: 3p21.31.
Variant type: single nucleotide variant.
Coding change: c.2767G>A on transcript NM_000094.4 (MANE Select); coding-DNA position 2767, G replaced by A.
Protein change: p.Gly923Arg; replaces glycine 923 with arginine.
Molecular consequence: missense variant.
Genome position (GRCh38, 1-based): chr3:48,587,883, C>T on the plus strand (G>A on the coding strand, the complement: COL7A1 is on the minus strand). VCF-style: chr3-48587883-C-T. GRCh37 (hg19) VCF-style: chr3-48625316-C-T.
Other names: short protein forms G923R.
Identifiers: ClinVar variation 2734523 (VCV002734523.3), dbSNP rs777207329, ClinGen allele CA2380760.
Genomic context (GRCh38, chr3:48,587,883, plus strand): 5'-CTTCTCCAGCTGGCCCTAGGACACTCAGCCTCACGCGGTACTGTGTCGCTGGCTCCAGCC[C>T]GTCCAGGTGATAGCTGCTGAGCTCGGGCCCCAGGACCCGGGACTGTTCCTGGCCACCTGG-3'
Protein context (NP_000085.1, residues 913-933): GPELSSYHLD[Gly923Arg]LEPATQYRVR

ClinVar aggregate classification (germline): Uncertain significance (1 of 4 stars; one submission).

Allele frequency attached by ClinVar (database versions not stated): gnomAD exomes below 0.00001; TOPMed below 0.00001; ExAC 0.00002.
gnomAD v4.1: 4 of 1,611,502 alleles (0.00025%); highest among the groups gnomAD compares: East Asian, 0.0022%; no homozygotes.

Submission:

Labcorp Genetics (formerly Invitae), Labcorp
Classification: Uncertain significance. Last evaluated: 2024-05-22. Review status: criteria provided, single submitter. Criteria: Invitae Variant Classification Sherloc (09022015). Collection method: clinical testing. Allele origin: germline.
Comment: This sequence change replaces glycine, which is neutral and non-polar, with arginine, which is basic and polar, at codon 923 of the COL7A1 protein (p.Gly923Arg). This variant is present in population databases (rs777207329, gnomAD 0.002%). This missense change has been observed in individual(s) with autosomal recessive dystrophic epidermolysis bullosa (PMID: 16439963). Advanced modeling of protein sequence and biophysical properties (such as structural, functional, and spatial information, amino acid conservation, physicochemical variation, residue mobility, and thermodynamic stability) performed at Invitae indicates that this missense variant is not expected to disrupt COL7A1 protein function with a negative predictive value of 95%. Algorithms developed to predict the effect of sequence changes on RNA splicing suggest that this variant may create or strengthen a splice site. In summary, the available evidence is currently insufficient to determine the role of this variant in disease. Therefore, it has been classified as a Variant of Uncertain Significance.

Literature cited by the submitters: PubMed 16439963.